The following is an entry in ClinVar:

ClinVar aggregate classification (germline): Uncertain significance (1 of 4 stars; one submission).

Conditions:
Inborn genetic diseases. Identifiers: MedGen C0950123, MeSH D030342.

gnomAD v4.1: 5 of 1,613,718 alleles (0.00031%); highest among the groups gnomAD compares: Middle Eastern, 0.033%; no homozygotes.

Submission:

Ambry Genetics
Classification: Uncertain significance for Inborn genetic diseases. Last evaluated: 2025-11-15. Review status: criteria provided, single submitter. Criteria: Ambry Variant Classification Scheme 2023. Collection method: clinical testing. Allele origin: germline.
Comment: The p.Y42C variant (also known as c.125A>G), located in coding exon 1 of the G6PC3 gene, results from an A to G substitution at nucleotide position 125. The tyrosine at codon 42 is replaced by cysteine, an amino acid with highly dissimilar properties. This amino acid position is conserved. In addition, this alteration is predicted to be tolerated by in silico analysis. Based on the available evidence, the clinical significance of this variant remains unclear.

NM_138387.4(G6PC3):c.125A>G (p.Tyr42Cys)

Genes: G6PC3 (glucose-6-phosphatase catalytic subunit 3; plus strand), LOC130060959 (ATAC-STARR-seq lymphoblastoid active region 12250; plus strand). Cytogenetic location: 17q21.31.
Variant type: single nucleotide variant.
Coding change: c.125A>G on transcript NM_138387.4 (MANE Select); coding-DNA position 125, A replaced by G.
Protein change: p.Tyr42Cys; replaces tyrosine 42 with cysteine.
Molecular consequence: missense variant. On other transcripts: 5 prime UTR variant (3), intron variant (1).
Genome position (GRCh38, 1-based): chr17:44,071,090, A>G. VCF-style: chr17-44071090-A-G. GRCh37 (hg19) VCF-style: chr17-42148458-A-G.
Other names: c.125A>G, p.Tyr42Cys (NM_001319945.2); c.-280A>G (NM_001384165.1); c.-415A>G (NM_001384166.1); c.-405A>G (NM_001384167.1); c.-312+376A>G (NM_001384168.1); short protein forms Y42C.
Identifiers: ClinVar variation 4620520 (VCV004620520.1).